The following is an entry in ClinVar:

ClinVar aggregate classification (germline): Uncertain significance. Review status: criteria provided, multiple submitters, no conflicts (2 of 4 stars). 2 submissions from 2 submitters: Uncertain significance (2). Last evaluated 2025-12-20.

Submissions (2):

Labcorp Genetics (formerly Invitae), Labcorp
Classification: Uncertain significance. Last evaluated: 2025-12-20. Review status: criteria provided, single submitter. Criteria: Invitae Variant Classification Sherloc (09022015). Collection method: clinical testing. Allele origin: germline.
Comment: This sequence change replaces proline, which is neutral and non-polar, with leucine, which is neutral and non-polar, at codon 265 of the SIX5 protein (p.Pro265Leu). This variant is not present in population databases (gnomAD no frequency). This variant has not been reported in the literature in individuals affected with SIX5-related conditions. ClinVar contains an entry for this variant (Variation ID: 3954845). Invitae Evidence Modeling of protein sequence and biophysical properties (such as structural, functional, and spatial information, amino acid conservation, physicochemical variation, residue mobility, and thermodynamic stability) indicates that this missense variant is not expected to disrupt SIX5 protein function with a negative predictive value of 80%. In summary, the available evidence is currently insufficient to determine the role of this variant in disease. Therefore, it has been classified as a Variant of Uncertain Significance.

Ambry Genetics
Classification: Uncertain significance. Last evaluated: 2025-04-12. Review status: criteria provided, single submitter. Criteria: Ambry Variant Classification Scheme 2023. Collection method: clinical testing. Allele origin: germline.

NM_175875.5(SIX5):c.794C>T (p.Pro265Leu)

Genes: DM1-AS (DM1 locus antisense RNA; plus strand), SIX5 (SIX homeobox 5; minus strand), LOC107075317 (origin of replication in DMPK trinucleotide repeat region; plus strand). Cytogenetic location: 19q13.32.
Variant type: single nucleotide variant.
Coding change: c.794C>T on transcript NM_175875.5 (MANE Select); coding-DNA position 794, C replaced by T.
Protein change: p.Pro265Leu; replaces proline 265 with leucine.
Molecular consequence: missense variant. On other transcripts: non-coding transcript variant (1).
Genome position (GRCh38, 1-based): chr19:45,768,051, G>A on the plus strand (C>T on the coding strand, the complement: SIX5 is on the minus strand). VCF-style: chr19-45768051-G-A. GRCh37 (hg19) VCF-style: chr19-46271309-G-A.
Other names: short protein forms P265L.
Identifiers: ClinVar variation 3954845 (VCV003954845.2).
Genomic context (GRCh38, chr19:45,768,051, plus strand): 5'-GGACGGGATGTCCCCGGGAGAGCTGGACTTGCGCCGCCCGAGGCCCCTCACCTCTTGCAG[G>A]GCGCGCCGCCTCCGGCCCCGGTCCGGTCGCGCTGTCGCCGGTTCTTGAACCAGTTGCTGA-3'
Protein context (NP_787071.3, residues 255-275): RDRTGAGGGA[Pro265Leu]CKSESDGNPT